The following is an entry in ClinVar:

ClinVar aggregate classification (germline): Benign/Likely benign. Review status: criteria provided, multiple submitters, no conflicts (2 of 4 stars). 7 submissions from 7 submitters: Benign (3); Likely benign (2). 2 of the submissions do not count toward it. Last evaluated 2024-11-26.

Conditions:
Nemaline myopathy. Also called: Myopathies, Nemaline. Identifiers: Orphanet 607, MedGen C0206157, MONDO:0018958.

Submissions (7):

Blueprint Genetics
Classification: Likely benign. Last evaluated: 2024-11-26. Review status: criteria provided, single submitter. Criteria: ACMG Guidelines, 2015. Collection method: clinical testing. Allele origin: germline.

Molecular Genetics, Royal Melbourne Hospital
Classification: Benign for Nemaline myopathy. Last evaluated: 2023-05-04. Review status: criteria provided, single submitter. Criteria: ACMG Guidelines, 2015. Collection method: clinical testing. Allele origin: germline. Affected: yes.
Comment: African population allele frequency is 19.30% (rs762865768, 2,260/128,102 alleles, 23 homozygotes in gnomAD v2.1). Based on the classification scheme RMH Modified ACMG/AMP Guidelines v1.6.1, this variant is classified as BENIGN. Following criteria are met: BA1

Mayo Clinic Laboratories, Mayo Clinic
Classification: Benign. Last evaluated: 2017-12-05. Review status: criteria provided, single submitter. Criteria: ACMG Guidelines, 2015. Collection method: clinical testing. Allele origin: germline. Observed: 106 variant alleles.

Genomic Diagnostic Laboratory, Division of Genomic Diagnostics, Children's Hospital of Philadelphia
Classification: Benign. Last evaluated: 2015-07-10. Review status: criteria provided, single submitter. Criteria: DGD Variant Analysis Guidelines. Collection method: clinical testing. Allele origin: unknown.

Eurofins Ntd Llc (ga)
Classification: Likely benign. Last evaluated: 2015-01-06. Review status: criteria provided, single submitter. Criteria: EGL Classification Definitions 2015. Collection method: clinical testing. Allele origin: germline. Observed: 6 variant alleles, 6 heterozygotes.

Genome Diagnostics Laboratory, University Medical Center Utrecht
Classification: Likely benign. Review status: no assertion criteria provided. Collection method: clinical testing. Allele origin: germline. Affected: yes. Study: VKGL Data-share Consensus. Not counted in ClinVar's aggregate classification.

Laboratory of Diagnostic Genome Analysis, Leiden University Medical Center (LUMC)
Classification: Likely benign. Review status: no assertion criteria provided. Collection method: clinical testing. Allele origin: germline. Affected: yes. Study: VKGL Data-share Consensus. Not counted in ClinVar's aggregate classification.

NM_001164508.2(NEB):c.20467-4del

Gene: NEB (nebulin; minus strand). Cytogenetic location: 2q23.3.
Variant type: Deletion.
Coding change: c.20467-4del on transcript NM_001164508.2 (MANE Select); 4 bases into the intron before coding-DNA position 20467, one base deleted (T; older notation c.20467-4delT).
Molecular consequence: intron variant.
Genome position (GRCh38, 1-based): chr2:151,546,002, A deleted on the plus strand (T on the coding strand, the reverse complement: NEB is on the minus strand); the first of 17 consecutive A bases (chr2:151,546,002-151,546,018); deleting any one gives the same sequence. VCF-style (leftmost placement, unchanged base first): chr2-151546001-TA-T. GRCh37 (hg19) VCF-style: chr2-152402515-TA-T.
Other names: p.?; c.20467-4delT (NM_001271208.1, NM_001271208.2); c.15364-4del (NM_004543.5); c.20467-4del (NM_001164507.2, NM_001271208.2).
Identifiers: ClinVar variation 193782 (VCV000193782.10), dbSNP rs10687343, ClinGen allele CA248789.